The following is an entry in ClinVar:

NM_001162501.2(TNRC6B):c.893G>C (p.Gly298Ala)

Gene: TNRC6B (trinucleotide repeat containing adaptor 6B; plus strand). Cytogenetic location: 22q13.1.
Variant type: single nucleotide variant.
Coding change: c.893G>C on transcript NM_001162501.2 (MANE Select); coding-DNA position 893, G replaced by C.
Protein change: p.Gly298Ala; replaces glycine 298 with alanine.
Molecular consequence: missense variant. On other transcripts: intron variant (1).
Genome position (GRCh38, 1-based): chr22:40,265,123, G>C. VCF-style: chr22-40265123-G-C. GRCh37 (hg19) VCF-style: chr22-40661127-G-C.
Other names: c.893G>C, p.Gly298Ala (NM_015088.3); c.565+2950G>C (NM_001024843.2); short protein forms G298A.
Identifiers: ClinVar variation 4883792 (VCV004883792.2).

ClinVar aggregate classification (germline): Uncertain significance (1 of 4 stars; one submission).

Submission:

Dasa
Classification: Uncertain significance. Last evaluated: 2026-03-20. Review status: criteria provided, single submitter. Criteria: DASA Assertion Criteria. Collection method: clinical testing. Allele origin: germline.
Comment: NM_001162501.2(TNRC6B):c.893G>C (p.Gly298Ala) is a missense variant that results in the substitution of glycine with alanine. This variant is rare in population databases. The currently available literature and clinical evidence are not sufficient to establish a definitive association between this variant and the reported condition. Therefore, this variant is classified as a variant of uncertain significance.